The following is an entry in ClinVar:

NM_001999.4(FBN2):c.3773C>G (p.Thr1258Arg)

Gene: FBN2 (fibrillin 2; minus strand). Cytogenetic location: 5q23.3.
Variant type: single nucleotide variant.
Coding change: c.3773C>G on transcript NM_001999.4 (MANE Select); coding-DNA position 3773, C replaced by G.
Protein change: p.Thr1258Arg; replaces threonine 1258 with arginine.
Molecular consequence: missense variant.
Genome position (GRCh38, 1-based): chr5:128,335,529, G>C on the plus strand (C>G on the coding strand, the complement: FBN2 is on the minus strand). VCF-style: chr5-128335529-G-C. GRCh37 (hg19) VCF-style: chr5-127671221-G-C.
Other names: short protein forms T1258R.
Identifiers: ClinVar variation 1714595 (VCV001714595.6), dbSNP rs2479801864, ClinGen allele CA360758055.
Genomic context (GRCh38, chr5:128,335,529, plus strand): 5'-CCATCTGGCATCAGGGCATAACCCTCACTGCAGCTGCATTCGTAGCTTCCCTCTGAATTT[G>C]TGCACTGGGTGTCACAGCCTCCGTTCATTATCATACATTCATCAATATCTGTGAAAACAG-3'
Protein context (NP_001990.2, residues 1248-1268): IMNGGCDTQC[Thr1258Arg]NSEGSYECSC

ClinVar aggregate classification (germline): Uncertain significance (1 of 4 stars; one submission).

Conditions:
Congenital contractural arachnodactyly (CCA). Also called: BEALS SYNDROME; Beals-Hecht syndrome; Arthrogryposis, distal, type 9. Identifiers: Orphanet 115, MedGen C0220668, MONDO:0007363, OMIM 121050.

Allele frequency attached by ClinVar (database versions not stated): gnomAD exomes below 0.00001.
gnomAD v4.1: 2 of 1,614,048 alleles (0.00012%); highest among the groups gnomAD compares: African/African-American, 0.0027%; no homozygotes.

Submission:

Labcorp Genetics (formerly Invitae), Labcorp
Classification: Uncertain significance for Congenital contractural arachnodactyly. Last evaluated: 2022-07-15. Review status: criteria provided, single submitter. Criteria: Invitae Variant Classification Sherloc (09022015). Collection method: clinical testing. Allele origin: germline.
Comment: This sequence change replaces threonine, which is neutral and polar, with arginine, which is basic and polar, at codon 1258 of the FBN2 protein (p.Thr1258Arg). This variant is not present in population databases (gnomAD no frequency). This variant has not been reported in the literature in individuals affected with FBN2-related conditions. Algorithms developed to predict the effect of missense changes on protein structure and function are either unavailable or do not agree on the potential impact of this missense change (SIFT: "Deleterious"; PolyPhen-2: "Benign"; Align-GVGD: "Class C15"). In summary, the available evidence is currently insufficient to determine the role of this variant in disease. Therefore, it has been classified as a Variant of Uncertain Significance.